The following is an entry in ClinVar:

NM_201384.3(PLEC):c.5984C>T (p.Ala1995Val)

Gene: PLEC (plectin; minus strand). Cytogenetic location: 8q24.3.
Variant type: single nucleotide variant.
Coding change: c.5984C>T on transcript NM_201384.3 (MANE Select); coding-DNA position 5984, C replaced by T.
Protein change: p.Ala1995Val; replaces alanine 1995 with valine.
Molecular consequence: missense variant.
Genome position (GRCh38, 1-based): chr8:143,923,945, G>A on the plus strand (C>T on the coding strand, the complement: PLEC is on the minus strand). VCF-style: chr8-143923945-G-A. GRCh37 (hg19) VCF-style: chr8-144998113-G-A.
Other names: c.6065C>T (NM_000445.3); c.6065C>T, p.Ala2022Val (NM_000445.5); c.5942C>T, p.Ala1981Val (NM_201378.4); c.5918C>T, p.Ala1973Val (NM_201379.3); c.6395C>T, p.Ala2132Val (NM_201380.4); c.5888C>T, p.Ala1963Val (NM_201381.3); c.5984C>T, p.Ala1995Val (NM_201382.4); c.5996C>T, p.Ala1999Val (NM_201383.3); short protein forms A1973V, A1963V, A2132V, A1981V, A1995V, A1999V, A2022V.
Identifiers: ClinVar variation 653889 (VCV000653889.11), dbSNP rs782351441, ClinGen allele CA4926158.

ClinVar aggregate classification (germline): Uncertain significance. Review status: criteria provided, multiple submitters, no conflicts (2 of 4 stars). 5 submissions from 5 submitters: Uncertain significance (5). Last evaluated 2024-10-17.

Conditions:
PLEC-related disorder. Also called: PLEC-related condition; PLEC-related disorders.
Autosomal recessive limb-girdle muscular dystrophy type 2Q (LGMDR17). Also called: MUSCULAR DYSTROPHY, LIMB-GIRDLE, AUTOSOMAL RECESSIVE 17. Identifiers: Orphanet 254361, MedGen C3150989, MONDO:0013390, OMIM 613723.
Epidermolysis bullosa simplex 5B, with muscular dystrophy (EBS5B). Also called: EPIDERMOLYSIS BULLOSA SIMPLEX AND LIMB-GIRDLE MUSCULAR DYSTROPHY; Epidermolysis bullosa simplex with muscular dystrophy. Identifiers: Orphanet 257, MedGen C2931072, MONDO:0009181, OMIM 226670.
Epidermolysis bullosa simplex with nail dystrophy (EBS5D). Identifiers: MedGen C4225309, MONDO:0014661, OMIM 616487.
Epidermolysis bullosa simplex 5C, with pyloric atresia (EBS5C). Also called: PLEC-Related Epidermolysis Bullosa with Pyloric Atresia; Epidermolysis bullosa simplex with pyloric atresia; PLEC1-Related Epidermolysis Bullosa with Pyloric Atresia. Identifiers: Orphanet 158684, MedGen C2677349, MONDO:0012807, OMIM 612138.
Epidermolysis bullosa simplex, Ogna type (EBS5A). Also called: EPIDERMOLYSIS BULLOSA SIMPLEX 5A, OGNA TYPE; Pidermolysis bullosa simplex 5A, Ogna type. Identifiers: Orphanet 79401, MedGen C0432317, MONDO:0007555, OMIM 131950.
Inborn genetic diseases. Identifiers: MedGen C0950123, MeSH D030342.

Allele frequency attached by ClinVar (database versions not stated): gnomAD 0.00002 and 0.00003; TOPMed 0.00002; ExAC 0.00005.
gnomAD v4.1: 43 of 1,592,712 alleles (0.0027%); highest among the groups gnomAD compares: Admixed American, 0.012%; no homozygotes.

Submissions (5):

PreventionGenetics, part of Exact Sciences
Classification: Uncertain significance for PLEC-related condition. Last evaluated: 2024-10-17. Review status: criteria provided, single submitter. Criteria: ACMG Guidelines, 2015. Collection method: clinical testing. Allele origin: germline.
Comment: The PLEC c.6065C>T variant is predicted to result in the amino acid substitution p.Ala2022Val. To our knowledge, this variant has not been reported in the literature. This variant is reported in 0.012% of alleles in individuals of Latino descent in gnomAD. At this time, the clinical significance of this variant is uncertain due to the absence of conclusive functional and genetic evidence.

Labcorp Genetics (formerly Invitae), Labcorp
Classification: Uncertain significance for Autosomal recessive limb-girdle muscular dystrophy type 2Q; Epidermolysis bullosa simplex, Ogna type; Epidermolysis bullosa simplex with nail dystrophy; Epidermolysis bullosa simplex 5C, with pyloric atresia; Epidermolysis bullosa simplex 5B, with muscular dystrophy. Last evaluated: 2024-08-21. Review status: criteria provided, single submitter. Criteria: Invitae Variant Classification Sherloc (09022015). Collection method: clinical testing. Allele origin: germline.
Comment: This sequence change replaces alanine, which is neutral and non-polar, with valine, which is neutral and non-polar, at codon 2022 of the PLEC protein (p.Ala2022Val). This variant is present in population databases (rs782351441, gnomAD 0.01%). This variant has not been reported in the literature in individuals affected with PLEC-related conditions. ClinVar contains an entry for this variant (Variation ID: 653889). An algorithm developed to predict the effect of missense changes on protein structure and function outputs the following: PolyPhen-2: "Not Available". The valine amino acid residue is found in multiple mammalian species, which suggests that this missense change does not adversely affect protein function. In summary, the available evidence is currently insufficient to determine the role of this variant in disease. Therefore, it has been classified as a Variant of Uncertain Significance.

Ambry Genetics
Classification: Uncertain significance for Inborn genetic diseases. Last evaluated: 2024-02-12. Review status: criteria provided, single submitter. Criteria: Ambry Variant Classification Scheme 2023. Collection method: clinical testing. Allele origin: germline.

Revvity Omics, Revvity
Classification: Uncertain significance. Last evaluated: 2020-02-25. Review status: criteria provided, single submitter. Criteria: ACMG Guidelines, 2015. Collection method: clinical testing. Allele origin: germline.

Breakthrough Genomics
Classification: Uncertain significance. Review status: criteria provided, single submitter. Criteria: ACMG Guidelines, 2015. Collection method: not provided. Allele origin: germline. Inheritance: Autosomal recessive inheritance. Affected: yes.